The following is an entry in ClinVar:

NM_000059.4(BRCA2):c.5556_5557insC (p.Cys1853fs)

Gene: BRCA2 (BRCA2 DNA repair associated; plus strand). Cytogenetic location: 13q13.1.
Variant type: Insertion.
Coding change: c.5556_5557insC on transcript NM_000059.4 (MANE Select); coding-DNA positions 5556 to 5557, C inserted.
Protein change: p.Cys1853fs; shifts the reading frame from cysteine 1853.
Molecular consequence: frameshift variant.
Genome position: GRCh38 VCF-style: chr13-32339911-T-TC. GRCh37 (hg19) VCF-style: chr13-32914048-T-TC.
Other names: c.5556_5557insC, p.Cys1853Leufs (NM_001406719.1, NM_001406720.1); short protein forms C1853fs.
Identifiers: ClinVar variation 1748260 (VCV001748260.2), dbSNP rs2548531106, ClinGen allele CA2580087611.

ClinVar aggregate classification (germline): Pathogenic (1 of 4 stars; one submission).

Conditions:
Hereditary cancer-predisposing syndrome. Also called: Hereditary Cancer Syndrome; Hereditary neoplastic syndrome; Neoplastic Syndromes, Hereditary; Tumor predisposition. Identifiers: Orphanet 140162, MedGen C0027672, MeSH D009386, MONDO:0015356.

Submission:

Ambry Genetics
Classification: Pathogenic for Hereditary cancer-predisposing syndrome. Last evaluated: 2021-06-07. Review status: criteria provided, single submitter. Criteria: Ambry Variant Classification Scheme 2023. Collection method: clinical testing. Allele origin: germline.
Comment: The c.5556_5557insC pathogenic mutation, located in coding exon 10 of the BRCA2 gene, results from an insertion of one nucleotide at position 5556, causing a translational frameshift with a predicted alternate stop codon (p.C1853Lfs*5). This alteration is expected to result in loss of function by premature protein truncation or nonsense-mediated mRNA decay. As such, this alteration is interpreted as a disease-causing mutation.